The following is an entry in ClinVar:

NM_001042492.3(NF1):c.3124G>A (p.Val1042Ile)

Gene: NF1 (neurofibromin 1; plus strand). Cytogenetic location: 17q11.2.
Variant type: single nucleotide variant.
Coding change: c.3124G>A on transcript NM_001042492.3 (MANE Select); coding-DNA position 3124, G replaced by A.
Protein change: p.Val1042Ile; replaces valine 1042 with isoleucine.
Molecular consequence: missense variant.
Genome position (GRCh38, 1-based): chr17:31,230,852, G>A. VCF-style: chr17-31230852-G-A. GRCh37 (hg19) VCF-style: chr17-29557870-G-A.
Other names: c.3124G>A, p.Val1042Ile (NM_000267.4); short protein forms V1042I.
Identifiers: ClinVar variation 942471 (VCV000942471.8), dbSNP rs1446427729, ClinGen allele CA398987889.

ClinVar aggregate classification (germline): Uncertain significance. Review status: criteria provided, multiple submitters, no conflicts (2 of 4 stars). 3 submissions from 3 submitters: Uncertain significance (3). Last evaluated 2024-05-04.

Conditions:
Hereditary cancer-predisposing syndrome. Also called: Neoplastic Syndromes, Hereditary; Hereditary neoplastic syndrome; Hereditary Cancer Syndrome; Tumor predisposition. Identifiers: Orphanet 140162, MedGen C0027672, MeSH D009386, MONDO:0015356.
Cardiovascular phenotype. Identifiers: MedGen CN230736.
Neurofibromatosis, type 1 (NF1). Also called: Peripheral type neurofibromatosis; Neurofibromatosis, type I; VON RECKLINGHAUSEN DISEASE; NEUROFIBROMATOSIS, TYPE I, SOMATIC. Identifiers: Orphanet 636, MedGen C0027831, MONDO:0018975, OMIM 162200. Disease mechanism: loss of function.

Allele frequency attached by ClinVar (database versions not stated): TOPMed below 0.00001; gnomAD 0.00001; gnomAD exomes 0.00001.
gnomAD v4.1: 7 of 1,605,100 alleles (0.00044%); highest among the groups gnomAD compares: Non-Finnish European, 0.0006%; no homozygotes.

Submissions (3):

GeneDx
Classification: Uncertain significance. Last evaluated: 2024-05-04. Review status: criteria provided, single submitter. Criteria: GeneDx Variant Classification Process June 2021. Collection method: clinical testing. Allele origin: germline. Affected: yes.
Comment: Not observed at significant frequency in large population cohorts (gnomAD); In silico analysis indicates that this missense variant does not alter protein structure/function; Has not been previously published as pathogenic or benign to our knowledge; This variant is associated with the following publications: (PMID: 25486365, 2121369)

Ambry Genetics
Classification: Uncertain significance for Cardiovascular phenotype; Hereditary cancer-predisposing syndrome. Last evaluated: 2023-06-21. Review status: criteria provided, single submitter. Criteria: Ambry Variant Classification Scheme 2023. Collection method: clinical testing. Allele origin: germline.
Comment: The p.V1042I variant (also known as c.3124G>A), located in coding exon 24 of the NF1 gene, results from a G to A substitution at nucleotide position 3124. The valine at codon 1042 is replaced by isoleucine, an amino acid with highly similar properties. This amino acid position is conserved. In addition, this alteration is predicted to be tolerated by in silico analysis. Since supporting evidence is limited at this time, the clinical significance of this alteration remains unclear.

Labcorp Genetics (formerly Invitae), Labcorp
Classification: Uncertain significance for Neurofibromatosis, type 1. Last evaluated: 2023-01-06. Review status: criteria provided, single submitter. Criteria: Invitae Variant Classification Sherloc (09022015). Collection method: clinical testing. Allele origin: germline.
Comment: Advanced modeling of protein sequence and biophysical properties (such as structural, functional, and spatial information, amino acid conservation, physicochemical variation, residue mobility, and thermodynamic stability) performed at Invitae indicates that this missense variant is expected to disrupt NF1 protein function. This sequence change replaces valine, which is neutral and non-polar, with isoleucine, which is neutral and non-polar, at codon 1042 of the NF1 protein (p.Val1042Ile). This variant is not present in population databases (gnomAD no frequency). This variant has not been reported in the literature in individuals affected with NF1-related conditions. ClinVar contains an entry for this variant (Variation ID: 942471). In summary, the available evidence is currently insufficient to determine the role of this variant in disease. Therefore, it has been classified as a Variant of Uncertain Significance.